The following is an entry in ClinVar:

ClinVar aggregate classification (germline): Likely benign (1 of 4 stars; one submission).

Submission:

GeneDx
Classification: Likely benign. Last evaluated: 2017-06-22. Review status: criteria provided, single submitter. Criteria: GeneDx Variant Classification (06012015). Collection method: clinical testing. Allele origin: germline. Affected: yes.
Comment: This variant is considered likely benign or benign based on one or more of the following criteria: it is a conservative change, it occurs at a poorly conserved position in the protein, it is predicted to be benign by multiple in silico algorithms, and/or has population frequency not consistent with disease.

NM_000088.4(COL1A1):c.1822-32del

Gene: COL1A1 (collagen type I alpha 1 chain; minus strand). Cytogenetic location: 17q21.33.
Variant type: Deletion.
Coding change: c.1822-32del on transcript NM_000088.4 (MANE Select); 32 bases into the intron before coding-DNA position 1822, one base deleted (A; older notation c.1822-32delA).
Molecular consequence: intron variant.
Genome position (GRCh38, 1-based): chr17:50,192,882, T deleted on the plus strand (A on the coding strand, the reverse complement: COL1A1 is on the minus strand); the first of 2 consecutive T bases (chr17:50,192,882-50,192,883); deleting either gives the same sequence. VCF-style (leftmost placement, unchanged base first): chr17-50192881-GT-G. GRCh37 (hg19) VCF-style: chr17-48270242-GT-G.
Other names: c.1822-32delA (NM_000088.3).
Identifiers: ClinVar variation 450112 (VCV000450112.1), dbSNP rs757681237, ClinGen allele CA8645069.